The following is an entry in ClinVar:

ClinVar aggregate classification (germline): Pathogenic/Likely pathogenic. Review status: criteria provided, multiple submitters, no conflicts (2 of 4 stars). 4 submissions from 4 submitters: Pathogenic (1); Likely pathogenic (1). 2 of the submissions do not count toward it. Last evaluated 2024-09-28.

Conditions:
Peeling skin syndrome 6 (PSS6). Identifiers: MedGen C4748093, MONDO:0054852, OMIM 618084.

Allele frequency attached by ClinVar (database versions not stated): TOPMed below 0.00001; gnomAD exomes 0.00001 and 0.00005; gnomAD 0.00003.
gnomAD v4.1: 70 of 1,614,010 alleles (0.0043%); highest among the groups gnomAD compares: Middle Eastern, 0.033%; no homozygotes.

Submissions (4):

3billion
Classification: Likely pathogenic for Peeling skin syndrome 6. Last evaluated: 2024-09-28. Review status: criteria provided, single submitter. Criteria: ACMG Guidelines, 2015. Collection method: clinical testing. Allele origin: germline. Affected: yes.
Comment: The variant is observed at an extremely low frequency in the gnomAD v4.1.0 dataset (total allele frequency: 0.004%). Predicted Consequence/Location: Stop-gained (nonsense): predicted to result in a loss or disruption of normal protein function through protein truncation. The predicted truncated protein may be shortened by more than 10%. The variant has been reported at least twice as pathogenic without evidence for the classification (ClinVar ID: VCV000559518 /PMID: 28884927). Therefore, this variant is classified as Likely pathogenic according to the recommendation of ACMG/AMP guideline.

Genomic Medicine Center of Excellence, King Faisal Specialist Hospital and Research Centre
Classification: Pathogenic. Last evaluated: 2024-04-04. Review status: criteria provided, single submitter. Criteria: ACMG Guidelines, 2015. Collection method: clinical testing. Allele origin: germline.

OMIM
Classification: Pathogenic for PEELING SKIN SYNDROME 6. Last evaluated: 2018-08-13. Review status: no assertion criteria provided. Collection method: literature only. Allele origin: germline. Not counted in ClinVar's aggregate classification.

Biochemical Molecular Genetic Laboratory, King Abdulaziz Medical City
Classification: Pathogenic for Peeling skin syndrome 6. Last evaluated: 2018-07-12. Review status: no assertion criteria provided. Collection method: clinical testing. Allele origin: germline. Affected: yes. Not counted in ClinVar's aggregate classification.

Literature cited by the submitters: PubMed 28884927 (cited by 3billion and OMIM); PubMed 29505760 (cited by OMIM).

NM_001014342.3(FLG2):c.632C>G (p.Ser211Ter)

Genes: CCDST (cervical cancer associated DHX9 suppressive transcript; plus strand), FLG2 (filaggrin 2; minus strand). Cytogenetic location: 1q21.3.
Variant type: single nucleotide variant.
Coding change: c.632C>G on transcript NM_001014342.3 (MANE Select); coding-DNA position 632, C replaced by G.
Protein change: p.Ser211Ter; replaces serine 211 with a stop codon.
Molecular consequence: nonsense.
Genome position (GRCh38, 1-based): chr1:152,357,154, G>C on the plus strand (C>G on the coding strand, the complement: FLG2 is on the minus strand). VCF-style: chr1-152357154-G-C. GRCh37 (hg19) VCF-style: chr1-152329630-G-C.
Other names: short protein forms S211*.
Identifiers: ClinVar variation 559518 (VCV000559518.4), dbSNP rs1050823116, ClinGen allele CA30609354.